The following is an entry in ClinVar:

NM_001164277.2(SLC37A4):c.352T>C (p.Trp118Arg)

Gene: SLC37A4 (solute carrier family 37 member 4; minus strand). Cytogenetic location: 11q23.3.
Variant type: single nucleotide variant.
Coding change: c.352T>C on transcript NM_001164277.2 (MANE Select); coding-DNA position 352, T replaced by C.
Protein change: p.Trp118Arg; replaces tryptophan 118 with arginine.
Molecular consequence: missense variant.
Genome position (GRCh38, 1-based): chr11:119,028,223, A>G on the plus strand (T>C on the coding strand, the complement: SLC37A4 is on the minus strand). VCF-style: chr11-119028223-A-G. GRCh37 (hg19) VCF-style: chr11-118898933-A-G.
Other names: 521T>C; c.352T>C, p.Trp118Arg (NM_001164278.2, NM_001164280.2, NM_001467.6); c.133T>C, p.Trp45Arg (NM_001164279.2); short protein forms W118R, W45R.
Identifiers: ClinVar variation 6923 (VCV000006923.24), dbSNP rs80356489, ClinGen allele CA219309.

ClinVar aggregate classification (germline): Pathogenic. Review status: criteria provided, multiple submitters, no conflicts (2 of 4 stars). 7 submissions from 7 submitters: Pathogenic (4). 3 of the submissions do not count toward it. Last evaluated 2025-06-18.

Conditions:
Glucose-6-phosphate transport defect (GSD1B). Also called: GSD Ib; Glycogen Storage Disease Type Ib. Identifiers: Orphanet 364, Orphanet 79259, MedGen C0268146, MONDO:0009288, OMIM 232220.

Allele frequency attached by ClinVar (database versions not stated): TOPMed below 0.00001; gnomAD 0.00001; gnomAD exomes 0.00002.

Submissions (7):

Natera, Inc.
Classification: Pathogenic for Glycogen storage disease type Ib. Last evaluated: 2025-06-18. Review status: criteria provided, single submitter. Criteria: Natera Variant Classification Schema (03/2026). Collection method: clinical testing. Allele origin: germline.
Comment: The c.352T>C variant in SLC37A4 is a missense variant predicted to cause substitution of tryptophan to arginine at amino acid 118. This variant is rare in the general population with a frequency below the threshold expected for the associated phenotype(s). This variant has been observed in one or more individuals affected with the associated recessive disease, as either homozygous or compound heterozygous with a second variant (PMID: 9675154, 10482875). Given the available evidence, this variant is classified as Pathogenic.

Baylor Genetics
Classification: Pathogenic for Glucose-6-phosphate transport defect. Last evaluated: 2023-10-28. Review status: criteria provided, single submitter. Criteria: ACMG Guidelines, 2015. Collection method: clinical testing. Allele origin: unknown.

Labcorp Genetics (formerly Invitae), Labcorp
Classification: Pathogenic for Glucose-6-phosphate transport defect. Last evaluated: 2023-06-09. Review status: criteria provided, single submitter. Criteria: Invitae Variant Classification Sherloc (09022015). Collection method: clinical testing. Allele origin: germline.
Comment: Experimental studies have shown that this missense change affects SLC37A4 function (PMID: 10940311, 12444104, 18835800). Advanced modeling of protein sequence and biophysical properties (such as structural, functional, and spatial information, amino acid conservation, physicochemical variation, residue mobility, and thermodynamic stability) performed at Invitae indicates that this missense variant is expected to disrupt SLC37A4 protein function. ClinVar contains an entry for this variant (Variation ID: 6923). This missense change has been observed in individuals with autosomal recessive glycogen storage disease type 1b (PMID: 9675154, 10482875, 10940311). This variant is not present in population databases (gnomAD no frequency). This sequence change replaces tryptophan, which is neutral and slightly polar, with arginine, which is basic and polar, at codon 118 of the SLC37A4 protein (p.Trp118Arg). For these reasons, this variant has been classified as Pathogenic.

Women's Health and Genetics/Laboratory Corporation of America, LabCorp
Classification: Pathogenic for Glucose-6-phosphate transport defect. Last evaluated: 2022-12-12. Review status: criteria provided, single submitter. Criteria: LabCorp Variant Classification Summary - May 2015. Collection method: clinical testing. Allele origin: germline.
Comment: Variant summary: SLC37A4 c.352T>C (p.Trp118Arg) results in a non-conservative amino acid change located in the major facilitator superfamily domain (IPR020846) of the encoded protein sequence. Two of two in-silico tools predict a damaging effect of the variant on protein function. The variant was absent in 231114 control chromosomes (gnomAD). c.352T>C has been reported in the literature in multiple individuals affected with Glycogen Storage Disease Type Ib (examples: Hou_1999 and Kure-1998). These data indicate that the variant is very likely to be associated with disease. At least one publication reports experimental evidence evaluating an impact on protein function. The most pronounced variant effect results in <10% of normal activity (example: chen_2008). Two clinical diagnostic laboratories have submitted clinical-significance assessments for this variant to ClinVar after 2014 and all classified the variant as pathogenic. Based on the evidence outlined above, the variant was classified as pathogenic.

OMIM
Classification: Pathogenic for GLYCOGEN STORAGE DISEASE Ib. Last evaluated: 1999-09-17. Review status: no assertion criteria provided. Collection method: literature only. Allele origin: germline. Not counted in ClinVar's aggregate classification.

GeneReviews
No classification provided. Condition: Glucose-6-phosphate transport defect. Review status: no classification provided. Collection method: literature only. Allele origin: germline. Affected: yes. Not counted in ClinVar's aggregate classification.

UniProtKB/Swiss-Prot
No classification provided. Review status: no classification provided. Collection method: not provided. Allele origin: not provided. Not counted in ClinVar's aggregate classification.

Literature cited by the submitters: PubMed 9675154 (cited by 4 submitters); PubMed 10482875 (cited by 4 submitters); PubMed 10940311 (cited by Labcorp Genetics (formerly Invitae), Labcorp); PubMed 12444104 (cited by Labcorp Genetics (formerly Invitae), Labcorp); PubMed 18835800 (cited by Labcorp Genetics (formerly Invitae), Labcorp and Women's Health and Genetics/Laboratory Corporation of America, LabCorp); NCBI Bookshelf NBK1312 (cited by GeneReviews).